The following is an entry in ClinVar:

NM_001385641.1(SAMD11):c.1378C>T (p.Pro460Ser)

Gene: SAMD11 (sterile alpha motif domain containing 11; plus strand). Cytogenetic location: 1p36.33.
Variant type: single nucleotide variant.
Coding change: c.1378C>T on transcript NM_001385641.1 (MANE Select); coding-DNA position 1378, C replaced by T.
Protein change: p.Pro460Ser; replaces proline 460 with serine.
Molecular consequence: missense variant.
Genome position (GRCh38, 1-based): chr1:942,155, C>T. VCF-style: chr1-942155-C-T. GRCh37 (hg19) VCF-style: chr1-877535-C-T.
Other names: c.1381C>T, p.Pro461Ser (NM_001385640.1); c.889C>T, p.Pro297Ser (NM_152486.4); short protein forms P297S, P460S, P461S.
Identifiers: ClinVar variation 1051163 (VCV001051163.10), dbSNP rs761264701, ClinGen allele CA502879.

ClinVar aggregate classification (germline): Uncertain significance. Review status: criteria provided, multiple submitters, no conflicts (2 of 4 stars). 2 submissions from 2 submitters: Uncertain significance (2). Last evaluated 2021-04-24.

Allele frequency attached by ClinVar (database versions not stated): TOPMed below 0.00001; gnomAD 0.00001; ExAC 0.00007.
gnomAD v4.1: 14 of 1,392,326 alleles (0.001%); highest among the groups gnomAD compares: South Asian, 0.017%; no homozygotes.

Submissions (2):

Labcorp Genetics (formerly Invitae), Labcorp
Classification: Uncertain significance. Last evaluated: 2021-04-24. Review status: criteria provided, single submitter. Criteria: Invitae Variant Classification Sherloc (09022015). Collection method: clinical testing. Allele origin: germline.
Comment: This sequence change replaces proline with serine at codon 297 of the SAMD11 protein (p.Pro297Ser). The proline residue is highly conserved and there is a moderate physicochemical difference between proline and serine. In summary, the available evidence is currently insufficient to determine the role of this variant in disease. Therefore, it has been classified as a Variant of Uncertain Significance. Algorithms developed to predict the effect of missense changes on protein structure and function output the following: SIFT: "Deleterious"; PolyPhen-2: "Benign"; Align-GVGD: "Class C0". The serine amino acid residue is found in multiple mammalian species, suggesting that this missense change does not adversely affect protein function. These predictions have not been confirmed by published functional studies and their clinical significance is uncertain. This variant has not been reported in the literature in individuals with SAMD11-related conditions. This variant is present in population databases (rs761264701, ExAC 0.05%).

Breakthrough Genomics
Classification: Uncertain significance. Review status: criteria provided, single submitter. Criteria: ACMG Guidelines, 2015. Collection method: not provided. Allele origin: germline. Inheritance: Unknown mechanism. Affected: yes.